The following is an entry in ClinVar:

ClinVar aggregate classification (germline): Uncertain significance (1 of 4 stars; one submission).

Submission:

CeGaT Center for Human Genetics Tuebingen
Classification: Uncertain significance. Last evaluated: 2023-09-01. Review status: criteria provided, single submitter. Criteria: CeGaT Center For Human Genetics Tuebingen Variant Classification Criteria Version 2. Collection method: clinical testing. Allele origin: germline. Affected: yes. Observed: 1 variant allele.
Comment: GUCY2C: PM2, PVS1:Supporting

NM_004963.4(GUCY2C):c.2718del (p.Phe907fs)

Gene: GUCY2C (guanylate cyclase 2C; minus strand). Cytogenetic location: 12p12.3.
Variant type: Deletion.
Coding change: c.2718del on transcript NM_004963.4 (MANE Select); coding-DNA position 2718, one base deleted (C; older notation c.2718delC).
Protein change: p.Phe907fs; shifts the reading frame from phenylalanine 907.
Molecular consequence: frameshift variant.
Genome position (GRCh38, 1-based): chr12:14,621,100, G deleted on the plus strand (C on the coding strand, the reverse complement: GUCY2C is on the minus strand); the first of 2 consecutive G bases (chr12:14,621,100-14,621,101); deleting either gives the same sequence. VCF-style (leftmost placement, unchanged base first): chr12-14621099-AG-A. GRCh37 (hg19) VCF-style: chr12-14774033-AG-A.
Other names: short protein forms F907fs.
Identifiers: ClinVar variation 2642756 (VCV002642756.24), dbSNP rs760707019, ClinGen allele CA6463006.
Genomic context (GRCh38, chr12:14,621,099, plus strand): 5'-TACCAGAGTGAACTCCAATGCGAATCCATATTGGGAGGCCAGGAAGATGCTCCAGCTCAA[AG>A]GTCCCCATGAAGCTGAGGATTTCCAAGGCCATCTTGGCAATGTCTATTGCATGCCGATTG-3'